The following is an entry in ClinVar:

NM_000145.4(FSHR):c.*256C>T

Gene: FSHR (follicle stimulating hormone receptor; minus strand). Cytogenetic location: 2p16.3.
Variant type: single nucleotide variant.
Coding change: c.*256C>T on transcript NM_000145.4 (MANE Select); 256 bases downstream of the stop codon, C replaced by T.
Molecular consequence: 3 prime UTR variant.
Genome position (GRCh38, 1-based): chr2:48,962,477, G>A on the plus strand (C>T on the coding strand, the complement: FSHR is on the minus strand). VCF-style: chr2-48962477-G-A. GRCh37 (hg19) VCF-style: chr2-49189616-G-A.
Other names: c.*256C>T (NM_181446.3).
Identifiers: ClinVar variation 336475 (VCV000336475.8), dbSNP rs72873077, ClinGen allele CA10613600.

ClinVar aggregate classification (germline): Benign. Review status: criteria provided, multiple submitters, no conflicts (2 of 4 stars). 4 submissions from 3 submitters: Benign (4). Last evaluated 2018-11-11.

Conditions:
Ovarian dysgenesis 1 (ODG1). Also called: GONADAL DYSGENESIS, XX TYPE; OVARIAN DYSGENESIS, HYPERGONADOTROPIC, AUTOSOMAL RECESSIVE; OVARIAN DYSGENESIS, HYPERGONADOTROPIC, WITH NORMAL KARYOTYPE; OVARIAN FAILURE, HYPERGONADOTROPIC; Gonadal dysgenesis XX type deafness. Identifiers: Orphanet 243, MedGen C0949595, MONDO:0024463, OMIM 233300.
Ovarian hyperstimulation syndrome (OHSS). Also called: OVARIAN HYPERSTIMULATION SYNDROME, FAMILIAL GESTATIONAL SPONTANEOUS. Identifiers: Orphanet 64739, MedGen C0085083, MONDO:0011972, OMIM 608115.

Allele frequency attached by ClinVar (database versions not stated): gnomAD 0.02581 and 0.02778; 1000 Genomes Project 0.02776; 1000 Genomes Project 30x 0.02904; TOPMed 0.03045.

Submissions (4):

GeneDx
Classification: Benign. Last evaluated: 2018-11-11. Review status: criteria provided, single submitter. Criteria: GeneDx Variant Classification Process June 2021. Collection method: clinical testing. Allele origin: germline. Affected: yes.

Illumina Laboratory Services, Illumina
Classification: Benign for Ovarian dysgenesis 1. Last evaluated: 2018-01-13. Review status: criteria provided, single submitter. Criteria: ICSL Variant Classification Criteria 13 December 2019. Collection method: clinical testing. Allele origin: germline.
Comment: This variant was observed in the ICSL laboratory as part of a predisposition screen in an ostensibly healthy population. It had not been previously curated by ICSL or reported in the Human Gene Mutation Database (HGMD: prior to June 1st, 2018), and was therefore a candidate for classification through an automated scoring system. Utilizing variant allele frequency, disease prevalence and penetrance estimates, and inheritance mode, an automated score was calculated to assess if this variant is too frequent to cause the disease. Based on the score and internal cut-off values, a variant classified as benign is not then subjected to further curation. The score for this variant resulted in a classification of benign for this disease.

Illumina Laboratory Services, Illumina
Classification: Benign for Ovarian hyperstimulation syndrome. Last evaluated: 2018-01-13. Review status: criteria provided, single submitter. Criteria: ICSL Variant Classification Criteria 13 December 2019. Collection method: clinical testing. Allele origin: germline.
Comment: the same text as in the submission from Illumina Laboratory Services, Illumina above.

Breakthrough Genomics
Classification: Benign. Review status: criteria provided, single submitter. Criteria: ACMG Guidelines, 2015. Collection method: not provided. Allele origin: germline. Inheritance: Autosomal recessive inheritance. Affected: yes.